The following is an entry in ClinVar:

NM_006939.4(SOS2):c.549G>C (p.Leu183Phe)

Gene: SOS2 (SOS Ras/Rho guanine nucleotide exchange factor 2; minus strand). Cytogenetic location: 14q21.3.
Variant type: single nucleotide variant.
Coding change: c.549G>C on transcript NM_006939.4 (MANE Select); coding-DNA position 549, G replaced by C.
Protein change: p.Leu183Phe; replaces leucine 183 with phenylalanine.
Molecular consequence: missense variant.
Genome position (GRCh38, 1-based): chr14:50,188,662, C>G on the plus strand (G>C on the coding strand, the complement: SOS2 is on the minus strand). VCF-style: chr14-50188662-C-G. GRCh37 (hg19) VCF-style: chr14-50655380-C-G.
Other names: short protein forms L183F.
Identifiers: ClinVar variation 475759 (VCV000475759.50), dbSNP rs137961578, ClinGen allele CA7177503.

ClinVar aggregate classification (germline): Benign/Likely benign. Review status: criteria provided, multiple submitters, no conflicts (2 of 4 stars). 12 submissions from 12 submitters: Benign (6); Likely benign (4). 2 of the submissions do not count toward it. Last evaluated 2026-01-28.

Conditions:
Cardiovascular phenotype. Identifiers: MedGen CN230736.
Noonan syndrome (NS). Also called: Noonan's syndrome. Identifiers: Orphanet 648, MedGen C0028326, MeSH D009634, MONDO:0018997. Disease mechanism: gain of function.
SOS2-related disorder. Also called: SOS2-related condition.
Noonan syndrome and Noonan-related syndrome. Identifiers: Orphanet 98733, MedGen C5681679, MONDO:0020297.
Noonan syndrome 9 (NS9). Identifiers: Orphanet 648, MedGen C4225282, MONDO:0014691, OMIM 616559.

Allele frequency attached by ClinVar (database versions not stated): 1000 Genomes Project 0.00020; 1000 Genomes Project 30x 0.00031; TOPMed 0.00055 and 0.00056; gnomAD 0.00060 and 0.00083; gnomAD exomes 0.00078 and 0.00114; ExAC 0.00097; ESP Exome Variant Server 0.00100.

Submissions (12):

Labcorp Genetics (formerly Invitae), Labcorp
Classification: Likely benign for Noonan syndrome 9. Last evaluated: 2026-01-28. Review status: criteria provided, single submitter. Criteria: Invitae Variant Classification Sherloc (09022015). Collection method: clinical testing. Allele origin: germline.

Blueprint Genetics
Classification: Likely benign. Last evaluated: 2024-11-27. Review status: criteria provided, single submitter. Criteria: ACMG Guidelines, 2015. Collection method: clinical testing. Allele origin: germline.

CeGaT Center for Human Genetics Tuebingen
Classification: Benign. Last evaluated: 2023-11-01. Review status: criteria provided, single submitter. Criteria: CeGaT Center For Human Genetics Tuebingen Variant Classification Criteria Version 2. Collection method: clinical testing. Allele origin: germline. Affected: yes. Observed: 3 variant alleles.
Comment: SOS2: BS1, BS2

ARUP Laboratories, Molecular Genetics and Genomics, ARUP Laboratories
Classification: Likely benign for Noonan syndrome 9. Last evaluated: 2022-05-10. Review status: criteria provided, single submitter. Criteria: ARUP Molecular Germline Variant Investigation Process 2021. Collection method: clinical testing. Allele origin: germline.

Genome Diagnostics Laboratory, The Hospital for Sick Children
Classification: Benign for Noonan syndrome and Noonan-related syndrome. Last evaluated: 2021-02-26. Review status: criteria provided, single submitter. Criteria: ACMG Guidelines, 2015. Collection method: clinical testing. Allele origin: germline.

Ambry Genetics
Classification: Benign for Cardiovascular phenotype. Last evaluated: 2019-09-17. Review status: criteria provided, single submitter. Criteria: Ambry Variant Classification Scheme 2023. Collection method: clinical testing. Allele origin: germline.

GeneDx
Classification: Benign. Last evaluated: 2017-07-03. Review status: criteria provided, single submitter. Criteria: GeneDx Variant Classification (06012015). Collection method: clinical testing. Allele origin: germline. Affected: yes.
Comment: This variant is considered likely benign or benign based on one or more of the following criteria: it is a conservative change, it occurs at a poorly conserved position in the protein, it is predicted to be benign by multiple in silico algorithms, and/or has population frequency not consistent with disease.

Women's Health and Genetics/Laboratory Corporation of America, LabCorp
Classification: Benign. Last evaluated: 2017-04-17. Review status: criteria provided, single submitter. Criteria: LabCorp Variant Classification Summary - May 2015. Collection method: clinical testing. Allele origin: germline.
Comment: Variant summary: The SOS2 c.549G>C (p.Leu183Phe) variant causes a missense change involving the alteration of a conserved nucleotide. 3/4 in silico tools predict a benign outcome for this variant (SNPs&GO not captured due to low reliability index). The variant of interest has been found in a large, broad control population, ExAC in 116/119774 control chromosomes at a frequency of 0.0009685, which is approximately 387 times the estimated maximal expected allele frequency of a pathogenic SOS2 variant (0.0000025), suggesting this variant is likely a benign polymorphism. The variant of interest has not, to our knowledge, been reported in affected individuals via publications and/or clinical diagnostic laboratories; nor evaluated for functional impact by in vivo/vitro studies. Taken together, this variant is classified as benign.

Breakthrough Genomics
Classification: Likely benign. Review status: criteria provided, single submitter. Criteria: ACMG Guidelines, 2015. Collection method: not provided. Allele origin: germline. Inheritance: Autosomal dominant inheritance. Affected: yes.

Genome-Nilou Lab
Classification: Benign for Noonan syndrome 9. Review status: criteria provided, single submitter. Criteria: ACMG Guidelines, 2015. Collection method: clinical testing. Allele origin: germline.

PreventionGenetics, part of Exact Sciences
Classification: Likely benign for SOS2-related condition. Last evaluated: 2020-08-12. Review status: no assertion criteria provided. Collection method: clinical testing. Allele origin: germline. Not counted in ClinVar's aggregate classification.
Comment: This variant is classified as likely benign based on ACMG/AMP sequence variant interpretation guidelines (Richards et al. 2015 PMID: 25741868, with internal and published modifications).

Service de Génétique Moléculaire, Hôpital Robert Debré
Classification: Likely benign for Noonan syndrome. Review status: no assertion criteria provided. Collection method: clinical testing. Allele origin: maternal. Affected: no. Not counted in ClinVar's aggregate classification.